The following is an entry in ClinVar:

NM_016373.4(WWOX):c.1114G>C (p.Gly372Arg)

Genes: MAF (MAF bZIP transcription factor; minus strand), WWOX (WW domain containing oxidoreductase; plus strand). Cytogenetic location: 16q23.2.
Variant type: single nucleotide variant.
Coding change: c.1114G>C on transcript NM_016373.4 (MANE Select); coding-DNA position 1114, G replaced by C.
Protein change: p.Gly372Arg; replaces glycine 372 with arginine.
Molecular consequence: missense variant.
Genome position (GRCh38, 1-based): chr16:79,211,665, G>C. VCF-style: chr16-79211665-G-C. GRCh37 (hg19) VCF-style: chr16-79245562-G-C.
Other names: c.775G>C, p.Gly259Arg (NM_001291997.2); short protein forms G372R, G259R.
Identifiers: ClinVar variation 100648 (VCV000100648.44), dbSNP rs587777127, ClinGen allele CA150588.
Genomic context (GRCh38, chr16:79,211,665, plus strand): 5'-CAGCAACAGGGAGCTGCCACCACCGTGTACTGTGCTGCTGTCCCAGAACTGGAGGGTCTG[G>C]GAGGGATGTACTTCAACAACTGCTGCCGCTGCATGCCCTCACCAGAAGCTCAGAGCGAAG-3'
Protein context (NP_057457.1, residues 362-382): CAAVPELEGL[Gly372Arg]GMYFNNCCRC

ClinVar aggregate classification (germline): Pathogenic/Likely pathogenic. Review status: criteria provided, multiple submitters, no conflicts (2 of 4 stars). 5 submissions from 5 submitters: Pathogenic (2); Likely pathogenic (1). 2 of the submissions do not count toward it. Last evaluated 2025-07-25.

Conditions:
Developmental and epileptic encephalopathy, 28 (DEE28). Also called: Epileptic encephalopathy, early infantile, 28. Identifiers: Orphanet 442835, MedGen C4015519, MONDO:0014533, OMIM 616211.
Autosomal recessive spinocerebellar ataxia 12. Also called: SPINOCEREBELLAR ATAXIA WITH MENTAL RETARDATION AND EPILEPSY. Identifiers: Orphanet 284282, MedGen C3280452, MONDO:0013687, OMIM 614322.

gnomAD v4.1: 1 of 1,614,190 alleles (0.000062%); highest among the groups gnomAD compares: South Asian, 0.0011%; no homozygotes.

Submissions (5):

First Genomix Gene Laboratory, Genetic Diagnostics Department
Classification: Pathogenic for Developmental and epileptic encephalopathy, 28; Autosomal recessive spinocerebellar ataxia 12. Last evaluated: 2025-07-25. Review status: criteria provided, single submitter. Criteria: ACMG Guidelines, 2015. Collection method: clinical testing. Allele origin: germline. Inheritance: Autosomal recessive inheritance. Affected: no. Observed: 1 variant allele.

Kids Research, The Children's Hospital at Westmead
Classification: Likely pathogenic for Developmental and epileptic encephalopathy, 28. Last evaluated: 2024-09-20. Review status: criteria provided, single submitter. Criteria: ACMG Guidelines, 2015. Collection method: research. Allele origin: germline. Affected: yes.
Comment: PM3, PM2, PP3_Moderate, PM5

CeGaT Center for Human Genetics Tuebingen
Classification: Pathogenic. Last evaluated: 2019-01-01. Review status: criteria provided, single submitter. Criteria: CeGaT Center For Human Genetics Tuebingen Variant Classification Criteria Version 2. Collection method: clinical testing. Allele origin: germline. Affected: yes. Observed: 1 variant allele.

Section for Clinical Neurogenetics, University of Tübingen
Classification: Pathogenic for Autosomal recessive spinocerebellar ataxia 12. Last evaluated: 2019-08-01. Review status: no assertion criteria provided. Collection method: research. Allele origin: germline. Affected: yes. Not counted in ClinVar's aggregate classification.

OMIM
Classification: Pathogenic for SPINOCEREBELLAR ATAXIA, AUTOSOMAL RECESSIVE 12. Last evaluated: 2014-02-01. Review status: no assertion criteria provided. Collection method: literature only. Allele origin: germline. Not counted in ClinVar's aggregate classification.

Literature cited by the submitters: PubMed 32214227 (cited by Section for Clinical Neurogenetics, University of Tübingen); PubMed 24369382 (cited by Section for Clinical Neurogenetics, University of Tübingen and OMIM).